The following is an entry in ClinVar:

NM_005228.5(EGFR):c.2791G>T (p.Glu931Ter)

Gene: EGFR (epidermal growth factor receptor; plus strand). Cytogenetic location: 7p11.2.
Variant type: single nucleotide variant.
Coding change: c.2791G>T on transcript NM_005228.5 (MANE Select); coding-DNA position 2791, G replaced by T.
Protein change: p.Glu931Ter; replaces glutamic acid 931 with a stop codon.
Molecular consequence: nonsense.
Genome position (GRCh38, 1-based): chr7:55,198,806, G>T. VCF-style: chr7-55198806-G-T. GRCh37 (hg19) VCF-style: chr7-55266499-G-T.
Other names: c.2656G>T, p.Glu886Ter (NM_001346897.2, NM_001346899.2); c.2791G>T, p.Glu931Ter (NM_001346898.2); c.2632G>T, p.Glu878Ter (NM_001346900.2); c.1990G>T, p.Glu664Ter (NM_001346941.2); short protein forms E878*, E931*, E886*, E664*.
Identifiers: ClinVar variation 3630431 (VCV003630431.3).

ClinVar aggregate classification (germline): Conflicting classifications of pathogenicity. Review status: criteria provided, conflicting classifications (1 of 4 stars). 2 submissions from 2 submitters: Pathogenic (1); Uncertain significance (1). Last evaluated 2026-02-09.

Conditions:
EGFR-related lung cancer (EGFR). Identifiers: MedGen CN130014.
Hereditary cancer-predisposing syndrome. Also called: Hereditary Cancer Syndrome; Neoplastic Syndromes, Hereditary; Tumor predisposition; Hereditary neoplastic syndrome. Identifiers: Orphanet 140162, MedGen C0027672, MeSH D009386, MONDO:0015356.

Submissions (2):

Ambry Genetics
Classification: Uncertain significance for Hereditary cancer-predisposing syndrome. Last evaluated: 2026-02-09. Review status: criteria provided, single submitter. Criteria: Ambry Variant Classification Scheme 2023. Collection method: clinical testing. Allele origin: germline.
Comment: The p.E931* variant (also known as c.2791G>T), located in coding exon 23 of the EGFR gene, results from a G to T substitution at nucleotide position 2791. This changes the amino acid from a glutamic acid to a stop codon within coding exon 23. This alteration is expected to result in loss of function by premature protein truncation or nonsense-mediated mRNA decay. Although biallelic loss of function of EGFR are known to cause EGFR-related neonatal inflammatory skin and bowel disease, such associations with EGFR-related lung cancer have not been reported. Based on the supporting evidence, this variant is expected to be causative of EGFR-related neonatal inflammatory skin and bowel disease when present along with a second pathogenic variant on the other allele; however, its clinical significance for EGFR-related lung cancer is unclear.

Labcorp Genetics (formerly Invitae), Labcorp
Classification: Pathogenic for EGFR-related lung cancer. Last evaluated: 2024-07-04. Review status: criteria provided, single submitter. Criteria: Invitae Variant Classification Sherloc (09022015). Collection method: clinical testing. Allele origin: germline.
Comment: This sequence change creates a premature translational stop signal (p.Glu931*) in the EGFR gene. It is expected to result in an absent or disrupted protein product. Loss-of-function variants in EGFR are known to be pathogenic (PMID: 7630400, 28726809, 29899996). This variant is not present in population databases (gnomAD no frequency). This variant has not been reported in the literature in individuals affected with EGFR-related conditions. For these reasons, this variant has been classified as Pathogenic.

Literature cited by the submitters: PubMed 7630400 (cited by Labcorp Genetics (formerly Invitae), Labcorp); PubMed 28726809 (cited by Labcorp Genetics (formerly Invitae), Labcorp); PubMed 29899996 (cited by Labcorp Genetics (formerly Invitae), Labcorp).